The following is an entry in ClinVar:

NM_000141.5(FGFR2):c.454+3A>G

Gene: FGFR2 (fibroblast growth factor receptor 2; minus strand). Cytogenetic location: 10q26.13.
Variant type: single nucleotide variant.
Coding change: c.454+3A>G on transcript NM_000141.5 (MANE Select); 3 bases into the intron after coding-DNA position 454, A replaced by G.
Molecular consequence: intron variant.
Genome position (GRCh38, 1-based): chr10:121,564,499, T>C on the plus strand (A>G on the coding strand, the complement: FGFR2 is on the minus strand). VCF-style: chr10-121564499-T-C. GRCh37 (hg19) VCF-style: chr10-123324013-T-C.
Other names: c.454+3A>G (NM_001144914.1, NM_001144917.2, NM_001320658.2 and 3 more transcripts); c.110-13040A>G (NM_001144918.2, NM_001441091.1, NM_001441090.1 and 1 more transcripts); c.187+3A>G (NM_001441089.1, NM_023029.3, NM_001441088.1 and 2 more transcripts).
Identifiers: ClinVar variation 1803498 (VCV001803498.7), dbSNP rs768823111, ClinGen allele CA5721135.
Genomic context (GRCh38, chr10:121,564,499, plus strand): 5'-GACAGGCAGAACTTCCCTCCATGCTCCTCTCTCGGGGACCATCGGAGCCGGGCAGTTACT[T>C]ACTCTTGTTGTTACTGTTCTCACTGACAAAATCTTCCGCACCATCGGTGTCATCCTCATC-3'

ClinVar aggregate classification (germline): Uncertain significance. Review status: criteria provided, multiple submitters, no conflicts (2 of 4 stars). 4 submissions from 4 submitters: Uncertain significance (4). Last evaluated 2024-06-06.

Conditions:
FGFR2-related craniosynostosis. Identifiers: MedGen CN231480.
Inborn genetic diseases. Identifiers: MedGen C0950123, MeSH D030342.

Allele frequency attached by ClinVar (database versions not stated): TOPMed below 0.00001; ExAC 0.00002.
gnomAD v4.1: 18 of 1,613,636 alleles (0.0011%); highest among the groups gnomAD compares: Middle Eastern, 0.017%; no homozygotes.

Submissions (4):

Labcorp Genetics (formerly Invitae), Labcorp
Classification: Uncertain significance for FGFR2-related craniosynostosis. Last evaluated: 2024-06-06. Review status: criteria provided, single submitter. Criteria: Invitae Variant Classification Sherloc (09022015). Collection method: clinical testing. Allele origin: germline.
Comment: This sequence change falls in intron 4 of the FGFR2 gene. It does not directly change the encoded amino acid sequence of the FGFR2 protein. It affects a nucleotide within the consensus splice site. This variant is present in population databases (rs768823111, gnomAD 0.004%). This variant has not been reported in the literature in individuals affected with FGFR2-related conditions. ClinVar contains an entry for this variant (Variation ID: 1803498). Variants that disrupt the consensus splice site are a relatively common cause of aberrant splicing (PMID: 17576681, 9536098). Algorithms developed to predict the effect of sequence changes on RNA splicing suggest that this variant is not likely to affect RNA splicing. In summary, the available evidence is currently insufficient to determine the role of this variant in disease. Therefore, it has been classified as a Variant of Uncertain Significance.

GeneDx
Classification: Uncertain significance. Last evaluated: 2022-12-05. Review status: criteria provided, single submitter. Criteria: GeneDx Variant Classification Process June 2021. Collection method: clinical testing. Allele origin: germline. Affected: yes.
Comment: Not observed at a significant frequency in large population cohorts (gnomAD); Has not been previously published as pathogenic or benign to our knowledge; In silico analysis supports that this variant does not alter splicing

Ambry Genetics
Classification: Uncertain significance for Inborn genetic diseases. Last evaluated: 2021-06-03. Review status: criteria provided, single submitter. Criteria: Ambry Variant Classification Scheme 2023. Collection method: clinical testing. Allele origin: germline.
Comment: The c.454+3A>G intronic alteration consists of a A to G substitution 3 nucleotides after exon 4 (coding exon 3) of the FGFR2 gene. Based on insufficient or conflicting evidence, the clinical significance of this alteration remains unclear.

Breakthrough Genomics
Classification: Uncertain significance. Review status: criteria provided, single submitter. Criteria: ACMG Guidelines, 2015. Collection method: not provided. Allele origin: germline. Inheritance: Autosomal dominant inheritance. Affected: yes.

Literature cited by the submitters: PubMed 17576681 (cited by Labcorp Genetics (formerly Invitae), Labcorp); PubMed 9536098 (cited by Labcorp Genetics (formerly Invitae), Labcorp).